The following is an entry in ClinVar:

ClinVar aggregate classification (germline): Pathogenic (1 of 4 stars; one submission).

Conditions:
Perlman syndrome (PRLMNS). Identifiers: Orphanet 2849, MedGen C0796113, MONDO:0009965, OMIM 267000.

Submission:

Labcorp Genetics (formerly Invitae), Labcorp
Classification: Pathogenic for Perlman syndrome. Last evaluated: 2022-04-29. Review status: criteria provided, single submitter. Criteria: Invitae Variant Classification Sherloc (09022015). Collection method: clinical testing. Allele origin: germline.
Comment: This variant is a gross deletion of the genomic region encompassing exon(s) 11 of the DIS3L2 gene. This deletion is out-of-frame, and is expected to create a premature termination codon and result in an absent or disrupted protein product. Loss-of-function variants in DIS3L2 are known to be pathogenic (PMID: 22306653, 28328139). This variant has not been reported in the literature in individuals affected with DIS3L2-related conditions. For these reasons, this variant has been classified as Pathogenic.

Literature cited by the submitters: PubMed 22306653; PubMed 28328139.

NC_000002.11:g.(?_233103223)_(233103375_?)del

Gene: DIS3L2 (DIS3 like 3'-5' exoribonuclease 2; plus strand). Cytogenetic location: 2q37.1.
Variant type: Deletion.
Identifiers: ClinVar variation 2427362 (VCV002427362.3).